The following is an entry in ClinVar:

ClinVar aggregate classification (germline): Uncertain significance (1 of 4 stars; one submission).

Conditions:
Charcot-Marie-Tooth disease dominant intermediate B (CMTDIB). Also called: CHARCOT-MARIE-TOOTH NEUROPATHY, DOMINANT INTERMEDIATE B; Charcot-Marie-Tooth disease dominant intermediate 1; CMT DI1; Charcot-Marie-Tooth disease dominant intermediate I. Identifiers: Orphanet 100044, Orphanet 228179, MedGen C1847902, MONDO:0011674, OMIM 606482.

Submission:

Labcorp Genetics (formerly Invitae), Labcorp
Classification: Uncertain significance for Charcot-Marie-Tooth disease dominant intermediate B. Last evaluated: 2022-01-26. Review status: criteria provided, single submitter. Criteria: Invitae Variant Classification Sherloc (09022015). Collection method: clinical testing. Allele origin: germline.
Comment: In summary, the available evidence is currently insufficient to determine the role of this variant in disease. Therefore, it has been classified as a Variant of Uncertain Significance. Algorithms developed to predict the effect of missense changes on protein structure and function are either unavailable or do not agree on the potential impact of this missense change (SIFT: "Deleterious"; PolyPhen-2: "Probably Damaging"; Align-GVGD: "Class C15"). This variant has not been reported in the literature in individuals affected with DNM2-related conditions. This variant is not present in population databases (gnomAD no frequency). This sequence change replaces leucine, which is neutral and non-polar, with phenylalanine, which is neutral and non-polar, at codon 452 of the DNM2 protein (p.Leu452Phe).

NM_001005361.3(DNM2):c.1356G>T (p.Leu452Phe)

Gene: DNM2 (dynamin 2; plus strand). Cytogenetic location: 19p13.2.
Variant type: single nucleotide variant.
Coding change: c.1356G>T on transcript NM_001005361.3 (MANE Select); coding-DNA position 1356, G replaced by T.
Protein change: p.Leu452Phe; replaces leucine 452 with phenylalanine.
Molecular consequence: missense variant.
Genome position (GRCh38, 1-based): chr19:10,798,506, G>T. VCF-style: chr19-10798506-G-T. GRCh37 (hg19) VCF-style: chr19-10909182-G-T.
Other names: c.1356G>T, p.Leu452Phe (NM_001005360.3, NM_001005362.3, NM_001190716.2 and 1 more transcripts); short protein forms L452F.
Identifiers: ClinVar variation 2089831 (VCV002089831.4), dbSNP rs2072021007, ClinGen allele CA404049551.